The following is an entry in ClinVar:

NM_001211.6(BUB1B):c.192del (p.Glu63_Tyr64insTer)

Gene: BUB1B (BUB1 mitotic checkpoint serine/threonine kinase B; plus strand). Cytogenetic location: 15q15.1.
Variant type: Deletion.
Coding change: c.192del on transcript NM_001211.6 (MANE Select); coding-DNA position 192, one base deleted (T; older notation c.192delT).
Protein change: p.Glu63_Tyr64insTer.
Molecular consequence: nonsense. On other transcripts: frameshift variant (1).
Genome position (GRCh38, 1-based): chr15:40,170,074, T deleted. VCF-style (leftmost placement, unchanged base first): chr15-40170073-AT-A. GRCh37 (hg19) VCF-style: chr15-40462274-AT-A.
Other names: c.192delT, p.Tyr64Terfs (NM_001211.5).
Identifiers: ClinVar variation 3602713 (VCV003602713.1).

ClinVar aggregate classification (germline): Pathogenic (1 of 4 stars; one submission).

Conditions:
Mosaic variegated aneuploidy syndrome 1 (MVA1). Also called: Warburton-Anyane-Yeboa syndrome. Identifiers: Orphanet 1052, MedGen C1850343, MONDO:0009759, OMIM 257300.

Submission:

St. Jude Molecular Pathology, St. Jude Children's Research Hospital
Classification: Pathogenic for Mosaic variegated aneuploidy syndrome 1. Last evaluated: 2024-10-12. Review status: criteria provided, single submitter. Criteria: St. Jude Assertion Criteria 2020. Collection method: clinical testing. Allele origin: germline.
Comment: The BUB1B c.192del (p.Tyr64Ter) change deletes one nucleotide to cause the creation of a premature stop codon. This change is predicted to cause protein truncation or absence of protein due to nonsense-mediated decay. This variant has not been reported in individuals with mosaic variegated aneuploidy syndrome. This variant is absent in gnomAD v2.1.1. In summary, this variant meets criteria to be classified as pathogenic.